The following is an entry in ClinVar:

NM_001569.4(IRAK1):c.483C>T (p.Val161=)

Gene: IRAK1 (interleukin 1 receptor associated kinase 1; minus strand). Cytogenetic location: Xq28.
Variant type: single nucleotide variant.
Coding change: c.483C>T on transcript NM_001569.4 (MANE Select); coding-DNA position 483, C replaced by T.
Protein change: p.Val161=; no amino-acid change (valine 161 retained).
Molecular consequence: synonymous variant.
Genome position (GRCh38, 1-based): chrX:154,019,032, G>A on the plus strand (C>T on the coding strand, the complement: IRAK1 is on the minus strand). VCF-style: chrX-154019032-G-A. GRCh37 (hg19) VCF-style: chrX-153284483-G-A.
Other names: c.483C>T, p.Val161= (NM_001025242.2, NM_001025243.2); c.561C>T, p.Val187= (NM_001410701.1).
Identifiers: ClinVar variation 2688072 (VCV002688072.2), dbSNP rs1059701, ClinGen allele CA10558330.

ClinVar aggregate classification (germline): Benign (1 of 4 stars; one submission).

Allele frequency attached by ClinVar (database versions not stated): 1000 Genomes Project 0.40715; 1000 Genomes Project 30x 0.40895; TOPMed 0.56559; gnomAD 0.59744; ESP Exome Variant Server 0.62074; ExAC 0.65273.

Submission:

Unidad de Genómica Garrahan, Hospital de Pediatría Garrahan
Classification: Benign. Last evaluated: 2024-01-24. Review status: criteria provided, single submitter. Criteria: ACMG Guidelines, 2015. Collection method: clinical testing. Allele origin: germline. Affected: no. Observed: 58 variant alleles.
Comment: This variant is classified as Benign based on local population frequency. This variant was detected in 61% of patients studied by a panel of primary immunodeficiencies. Number of patients: 58. Only high quality variants are reported.